The following is an entry in ClinVar:

NM_001142800.2(EYS):c.8348G>A (p.Trp2783Ter)

Genes: EYS (EGF-like photoreceptor maintenance factor; minus strand), PHF3 (PHD finger protein 3; plus strand). Cytogenetic location: 6q12.
Variant type: single nucleotide variant.
Coding change: c.8348G>A on transcript NM_001142800.2 (MANE Select); coding-DNA position 8348, G replaced by A.
Protein change: p.Trp2783Ter; replaces tryptophan 2783 with a stop codon.
Molecular consequence: nonsense. On other transcripts: 3 prime UTR variant (5).
Genome position (GRCh38, 1-based): chr6:63,721,683, C>T on the plus strand (G>A on the coding strand, the complement: EYS is on the minus strand). VCF-style: chr6-63721683-C-T. GRCh37 (hg19) VCF-style: chr6-64431579-C-T.
Other names: c.*7975C>T (NM_001290259.2, NM_001370348.2, NM_001370349.2 and 2 more transcripts); c.8411G>A, p.Trp2804Ter (NM_001292009.2); short protein forms W2783*, W2804*.
Identifiers: ClinVar variation 1381704 (VCV001381704.6), dbSNP rs1768400035, ClinGen allele CA364385133.

ClinVar aggregate classification (germline): Pathogenic (1 of 4 stars; one submission).

Allele frequency attached by ClinVar (database versions not stated): gnomAD exomes below 0.00001.
gnomAD v4.1: 4 of 1,551,312 alleles (0.00026%); highest among the groups gnomAD compares: Non-Finnish European, 0.00035%; no homozygotes.

Submission:

Labcorp Genetics (formerly Invitae), Labcorp
Classification: Pathogenic. Last evaluated: 2024-11-11. Review status: criteria provided, single submitter. Criteria: Invitae Variant Classification Sherloc (09022015). Collection method: clinical testing. Allele origin: germline.
Comment: This sequence change creates a premature translational stop signal (p.Trp2783*) in the EYS gene. While this is not anticipated to result in nonsense mediated decay, it is expected to disrupt the last 362 amino acid(s) of the EYS protein. This variant is not present in population databases (gnomAD no frequency). This premature translational stop signal has been observed in individual(s) with retinitis pigmentosa (PMID: 20333770). ClinVar contains an entry for this variant (Variation ID: 1381704). This variant disrupts a region of the EYS protein in which other variant(s) (p.Tyr3135*) have been determined to be pathogenic (PMID: 18976725, 29159838, 30337596, 31074760). This suggests that this is a clinically significant region of the protein, and that variants that disrupt it are likely to be disease-causing. For these reasons, this variant has been classified as Pathogenic.

Literature cited by the submitters: PubMed 20333770; PubMed 18976725; PubMed 29159838; PubMed 30337596; PubMed 31074760.